The following is an entry in ClinVar:

ClinVar aggregate classification (germline): Uncertain significance. Review status: criteria provided, multiple submitters, no conflicts (2 of 4 stars). 3 submissions from 3 submitters: Uncertain significance (3). Last evaluated 2025-03-18.

Conditions:
Inborn genetic diseases. Identifiers: MedGen C0950123, MeSH D030342.
Alpha thalassemia-X-linked intellectual disability syndrome (ATRX). Also called: ATR-X syndrome; Alpha thalassemia mental retardation syndrome, nondeletion type, X-linked; XLMR hypotonic face syndrome; ALPHA-THALASSEMIA/IMPAIRED INTELLECTUAL DEVELOPMENT SYNDROME, X-LINKED; ALPHA-THALASSEMIA/MENTAL RETARDATION SYNDROME, X-LINKED; ATR, NONDELETION TYPE. Identifiers: Orphanet 847, MedGen C1845055, MONDO:0010519, OMIM 301040.

Allele frequency attached by ClinVar (database versions not stated): gnomAD exomes below 0.00001.
gnomAD v4.1: 1 of 1,211,145 alleles (0.000083%); highest among the groups gnomAD compares: Non-Finnish European, 0.00011%; no homozygotes.

Submissions (3):

Labcorp Genetics (formerly Invitae), Labcorp
Classification: Uncertain significance for Alpha thalassemia-X-linked intellectual disability syndrome. Last evaluated: 2025-03-18. Review status: criteria provided, single submitter. Criteria: Invitae Variant Classification Sherloc (09022015). Collection method: clinical testing. Allele origin: germline.
Comment: This sequence change replaces histidine, which is basic and polar, with tyrosine, which is neutral and polar, at codon 24 of the ATRX protein (p.His24Tyr). This variant is not present in population databases (gnomAD no frequency). This missense change has been observed in individual(s) with clinical features of alpha-thalassemia X-linked intellectual disability syndrome (internal data). ClinVar contains an entry for this variant (Variation ID: 840720). Invitae Evidence Modeling of protein sequence and biophysical properties (such as structural, functional, and spatial information, amino acid conservation, physicochemical variation, residue mobility, and thermodynamic stability) indicates that this missense variant is not expected to disrupt ATRX protein function with a negative predictive value of 95%. In summary, the available evidence is currently insufficient to determine the role of this variant in disease. Therefore, it has been classified as a Variant of Uncertain Significance.

Ambry Genetics
Classification: Uncertain significance for Inborn genetic diseases. Last evaluated: 2023-10-31. Review status: criteria provided, single submitter. Criteria: Ambry Variant Classification Scheme 2023. Collection method: clinical testing. Allele origin: germline.

GeneDx
Classification: Uncertain significance. Last evaluated: 2019-11-12. Review status: criteria provided, single submitter. Criteria: GeneDx Variant Classification Process June 2021. Collection method: clinical testing. Allele origin: germline. Affected: yes.
Comment: Not observed in large population cohorts (Lek et al., 2016); In silico analysis, which includes protein predictors and evolutionary conservation, supports that this variant does not alter protein structure/function; Has not been previously published as pathogenic or benign to our knowledge

NM_000489.6(ATRX):c.70C>T (p.His24Tyr)

Gene: ATRX (ATRX chromatin remodeler; minus strand). Cytogenetic location: Xq21.1.
Variant type: single nucleotide variant.
Coding change: c.70C>T on transcript NM_000489.6 (MANE Select); coding-DNA position 70, C replaced by T.
Protein change: p.His24Tyr; replaces histidine 24 with tyrosine.
Molecular consequence: missense variant.
Genome position (GRCh38, 1-based): chrX:77,717,194, G>A on the plus strand (C>T on the coding strand, the complement: ATRX is on the minus strand). VCF-style: chrX-77717194-G-A. GRCh37 (hg19) VCF-style: chrX-76972671-G-A.
Other names: c.70C>T, p.His24Tyr (NM_138270.5); short protein forms H24Y.
Identifiers: ClinVar variation 840720 (VCV000840720.9), dbSNP rs1191670776, ClinGen allele CA413724668.